The following is an entry in ClinVar:

NM_003070.5(SMARCA2):c.3412G>C (p.Ala1138Pro)

Gene: SMARCA2 (SWI/SNF related BAF chromatin remodeling complex subunit ATPase 2; plus strand). Cytogenetic location: 9p24.3.
Variant type: single nucleotide variant.
Coding change: c.3412G>C on transcript NM_003070.5 (MANE Select); coding-DNA position 3412, G replaced by C.
Protein change: p.Ala1138Pro; replaces alanine 1138 with proline.
Molecular consequence: missense variant.
Genome position (GRCh38, 1-based): chr9:2,110,373, G>C. VCF-style: chr9-2110373-G-C. GRCh37 (hg19) VCF-style: chr9-2110373-G-C.
Other names: c.3412G>C, p.Ala1138Pro (NM_001289396.2, NM_139045.4); c.3238G>C, p.Ala1080Pro (NM_001289397.2); short protein forms A1080P, A1138P.
Identifiers: ClinVar variation 985482 (VCV000985482.5), dbSNP rs1822943756, ClinGen allele CA372788218.

ClinVar aggregate classification (germline): Pathogenic/Likely pathogenic. Review status: criteria provided, multiple submitters, no conflicts (2 of 4 stars). 2 submissions from 2 submitters: Pathogenic (1); Likely pathogenic (1). Last evaluated 2026-02-19.

Conditions:
Inborn genetic diseases. Identifiers: MedGen C0950123, MeSH D030342.

Submissions (2):

Ambry Genetics
Classification: Likely pathogenic for Inborn genetic diseases. Last evaluated: 2026-02-19. Review status: criteria provided, single submitter. Criteria: Ambry Variant Classification Scheme 2023. Collection method: clinical testing. Allele origin: germline.
Comment: The c.3412G>C (p.A1138P) alteration is located in coding exon 23 of the SMARCA2 gene. This alteration results from a G to C substitution at nucleotide position 3412, causing the alanine (A) at amino acid position 1138 to be replaced by a proline (P). This variant was not reported in population-based cohorts in the Genome Aggregation Database (gnomAD). This amino acid position is highly conserved in available vertebrate species. This alteration is predicted to be deleterious by in silico analysis. Based on the available evidence, this alteration is classified as likely pathogenic.

GeneDx
Classification: Pathogenic. Last evaluated: 2025-02-24. Review status: criteria provided, single submitter. Criteria: GeneDx Variant Classification Process June 2021. Collection method: clinical testing. Allele origin: germline. Affected: yes.
Comment: Reported in an individual with a neurodevelopmental disorder, however, detailed clinical information was not provided (PMID: 37500730); Not observed at significant frequency in large population cohorts (gnomAD); In silico analysis supports that this missense variant has a deleterious effect on protein structure/function; This variant is associated with the following publications: (PMID: 37500730)